The following is an entry in ClinVar:

NM_001367624.2(ZNF469):c.5318G>C (p.Arg1773Thr)

Gene: ZNF469 (zinc finger protein 469; plus strand). Cytogenetic location: 16q24.2.
Variant type: single nucleotide variant.
Coding change: c.5318G>C on transcript NM_001367624.2 (MANE Select); coding-DNA position 5318, G replaced by C.
Protein change: p.Arg1773Thr; replaces arginine 1773 with threonine.
Molecular consequence: missense variant.
Genome position (GRCh38, 1-based): chr16:88,432,788, G>C. VCF-style: chr16-88432788-G-C. GRCh37 (hg19) VCF-style: chr16-88499196-G-C.
Other names: p.Arg1773Thr; short protein forms R1773T.
Identifiers: ClinVar variation 4542067 (VCV004542067.1).

ClinVar aggregate classification (germline): Uncertain significance (1 of 4 stars; one submission).

Submission:

Mayo Clinic Laboratories, Mayo Clinic
Classification: Uncertain significance. Last evaluated: 2025-01-03. Review status: criteria provided, single submitter. Criteria: ACMG Guidelines, 2015. Collection method: clinical testing. Allele origin: germline. Observed: 1 variant allele.
Comment: BP4, PM2_supporting